The following is an entry in ClinVar:

ClinVar aggregate classification (germline): Benign/Likely benign. Review status: criteria provided, multiple submitters, no conflicts (2 of 4 stars). 5 submissions from 5 submitters: Benign (1); Likely benign (2). 2 of the submissions do not count toward it. Last evaluated 2026-01-05.

Conditions:
Occult macular dystrophy (OCMD). Also called: OCCULT MACULAR DYSTROPHY, SUSCEPTIBILITY TO; OMD. Identifiers: Orphanet 247834, MedGen C3150833, MONDO:0013316, OMIM 613587, HP:0030636.

Allele frequency attached by ClinVar (database versions not stated): ESP Exome Variant Server 0.00016; TOPMed 0.00016; gnomAD 0.00019 and 0.00021; gnomAD exomes 0.00029; ExAC 0.00031.
gnomAD v4.1: 443 of 1,614,158 alleles (0.027%); highest among the groups gnomAD compares: Admixed American, 0.05%; 1 homozygote.

Submissions (5):

Labcorp Genetics (formerly Invitae), Labcorp
Classification: Likely benign. Last evaluated: 2026-01-05. Review status: criteria provided, single submitter. Criteria: Invitae Variant Classification Sherloc (09022015). Collection method: clinical testing. Allele origin: germline.

Blueprint Genetics
Classification: Likely benign. Last evaluated: 2024-11-22. Review status: criteria provided, single submitter. Criteria: ACMG Guidelines, 2015. Collection method: clinical testing. Allele origin: germline.

Illumina Laboratory Services, Illumina
Classification: Benign for Occult macular dystrophy. Last evaluated: 2018-03-06. Review status: criteria provided, single submitter. Criteria: ICSL Variant Classification Criteria 13 December 2019. Collection method: clinical testing. Allele origin: germline.
Comment: This variant was observed in the ICSL laboratory as part of a predisposition screen in an ostensibly healthy population. It had not been previously curated by ICSL or reported in the Human Gene Mutation Database (HGMD: prior to June 1st, 2018), and was therefore a candidate for classification through an automated scoring system. Utilizing variant allele frequency, disease prevalence and penetrance estimates, and inheritance mode, an automated score was calculated to assess if this variant is too frequent to cause the disease. Based on the score and internal cut-off values, a variant classified as benign is not then subjected to further curation. The score for this variant resulted in a classification of benign for this disease.

Clinical Genetics DNA and cytogenetics Diagnostics Lab, Erasmus MC, Erasmus Medical Center
Classification: Likely benign. Review status: no assertion criteria provided. Collection method: clinical testing. Allele origin: germline. Affected: yes. Study: VKGL Data-share Consensus. Not counted in ClinVar's aggregate classification.

Clinical Genetics, Academic Medical Center
Classification: Benign. Review status: no assertion criteria provided. Collection method: clinical testing. Allele origin: germline. Affected: yes. Study: VKGL Data-share Consensus. Not counted in ClinVar's aggregate classification.

NM_178857.6(RP1L1):c.213C>T (p.Arg71=)

Gene: RP1L1 (RP1 like 1). Cytogenetic location: 8p23.1.
Variant type: single nucleotide variant.
Coding change: c.213C>T on transcript NM_178857.6 (MANE Select); coding-DNA position 213, C replaced by T.
Protein change: p.Arg71=; no amino-acid change (arginine 71 retained).
Molecular consequence: synonymous variant.
Genome position (GRCh38, 1-based): chr8:10,622,989, G>A on the plus strand (C>T on the coding strand, the complement: RP1L1 is on the minus strand). VCF-style: chr8-10622989-G-A. GRCh37 (hg19) VCF-style: chr8-10480499-G-A.
Identifiers: ClinVar variation 908815 (VCV000908815.14), dbSNP rs182267291, ClinGen allele CA4625818.
Genomic context (GRCh38, chr8:10,622,989, plus strand): 5'-GCTGAGGCTATGCAGGCCCCGGGGTGTGGTGACAGAGCGCACCCCAAAGGAGAGAGGCAC[G>A]CGCTGGGAGAGCTCGTCCATGAGGGCGCTGAAGGTCTTAAAGGCGCGCTGGTGAACGGCC-3'
Protein context (NP_849188.4, residues 61-81): FSALMDELSQ[Arg71=]VPLSFGVRSV